The following is an entry in ClinVar:

ClinVar aggregate classification (germline): Pathogenic (1 of 4 stars; one submission).

Conditions:
Hereditary diffuse gastric adenocarcinoma (HDGC). Also called: DIFFUSE GASTRIC AND LOBULAR BREAST CANCER SYNDROME. Identifiers: Orphanet 26106, MedGen C1708349, MONDO:0007648, OMIM 137215.

Submission:

European Reference Network on Genetic Tumour Risk Syndromes (ERN-GENTURIS), i3s - Instituto de Investigação e Inovação em Saúde, University of Porto
Classification: Pathogenic for Hereditary diffuse gastric adenocarcinoma. Last evaluated: 2022-08-01. Review status: criteria provided, single submitter. Criteria: Lee et al. (Hum Mutat. 2018). Collection method: clinical testing. Allele origin: germline. Inheritance: Autosomal dominant inheritance. Affected: yes. Study: ERN GENTURIS.
Comment: PVS1; PS4_Supporting; PM2 (PMID: 30311375)

Literature cited by the submitters: PubMed 36436516.

NM_004360.5(CDH1):c.479_480del (p.Pro160fs)

Gene: CDH1 (cadherin 1; plus strand). Cytogenetic location: 16q22.1.
Variant type: Deletion.
Coding change: c.479_480del on transcript NM_004360.5 (MANE Select); coding-DNA positions 479 to 480, 2 bases deleted (CC; older notation c.479_480delCC).
Protein change: p.Pro160fs; shifts the reading frame from proline 160.
Molecular consequence: frameshift variant. On other transcripts: 5 prime UTR variant (2).
Genome position (GRCh38, 1-based): chr16:68,808,515-68,808,516, CC deleted; deleting any 2 consecutive bases within chr16:68,808,514-68,808,516 gives the same sequence; the c. name uses the placement nearest the transcript's 3' end. VCF-style (leftmost placement, unchanged base first): chr16-68808513-TCC-T. GRCh37 (hg19) VCF-style: chr16-68842416-TCC-T.
Other names: c.479_480del, p.Pro160fs (NM_001317184.2); c.-1137_-1136del (NM_001317185.2); c.-1341_-1340del (NM_001317186.2); short protein forms P160fs.
Identifiers: ClinVar variation 2503039 (VCV002503039.1), dbSNP rs2152129745, ClinGen allele CA2580612847.